The following is an entry in ClinVar:

ClinVar aggregate classification (germline): Uncertain significance (1 of 4 stars; one submission).

Conditions:
Fanconi anemia (FA). Also called: Fanconi's anemia. Identifiers: Orphanet 84, MedGen C0015625, MeSH D005199, MONDO:0019391.

Submission:

Labcorp Genetics (formerly Invitae), Labcorp
Classification: Uncertain significance for Fanconi anemia. Last evaluated: 2025-05-25. Review status: criteria provided, single submitter. Criteria: Invitae Variant Classification Sherloc (09022015). Collection method: clinical testing. Allele origin: germline.
Comment: This sequence change replaces leucine, which is neutral and non-polar, with isoleucine, which is neutral and non-polar, at codon 1106 of the FANCI protein (p.Leu1106Ile). This variant is not present in population databases (gnomAD no frequency). This variant has not been reported in the literature in individuals affected with FANCI-related conditions. ClinVar contains an entry for this variant (Variation ID: 2955947). Invitae Evidence Modeling of protein sequence and biophysical properties (such as structural, functional, and spatial information, amino acid conservation, physicochemical variation, residue mobility, and thermodynamic stability) indicates that this missense variant is not expected to disrupt FANCI protein function with a negative predictive value of 80%. In summary, the available evidence is currently insufficient to determine the role of this variant in disease. Therefore, it has been classified as a Variant of Uncertain Significance.

NM_001113378.2(FANCI):c.3316C>A (p.Leu1106Ile)

Gene: FANCI (FA complementation group I; plus strand). Cytogenetic location: 15q26.1.
Variant type: single nucleotide variant.
Coding change: c.3316C>A on transcript NM_001113378.2 (MANE Select); coding-DNA position 3316, C replaced by A.
Protein change: p.Leu1106Ile; replaces leucine 1106 with isoleucine.
Molecular consequence: missense variant.
Genome position (GRCh38, 1-based): chr15:89,305,665, C>A. VCF-style: chr15-89305665-C-A. GRCh37 (hg19) VCF-style: chr15-89848896-C-A.
Other names: c.3037C>A, p.Leu1013Ile (NM_001376910.1); c.3316C>A, p.Leu1106Ile (NM_001376911.1); c.3136C>A, p.Leu1046Ile (NM_018193.3); short protein forms L1046I, L1013I, L1106I.
Identifiers: ClinVar variation 2955947 (VCV002955947.3), dbSNP rs767185034, ClinGen allele CA393739952.
Genomic context (GRCh38, chr15:89,305,665, plus strand): 5'-TTACTTGTTCTGAGTCAGGCCGAGAAGGTTCTAGAAGAAGTGGACTGGCTAATCACCAAG[C>A]TTAAGGGACAAGTGAGCCAAGAAACCTTATCAGGTAAGATAAGTTCAACTGGGATTCCAG-3'
Protein context (NP_001106849.1, residues 1096-1116): LEEVDWLITK[Leu1106Ile]KGQVSQETLS